The following is an entry in ClinVar:

NM_005228.5(EGFR):c.3530T>C (p.Phe1177Ser)

Gene: EGFR (epidermal growth factor receptor; plus strand). Cytogenetic location: 7p11.2.
Variant type: single nucleotide variant.
Coding change: c.3530T>C on transcript NM_005228.5 (MANE Select); coding-DNA position 3530, T replaced by C.
Protein change: p.Phe1177Ser; replaces phenylalanine 1177 with serine.
Molecular consequence: missense variant.
Genome position (GRCh38, 1-based): chr7:55,205,514, T>C. VCF-style: chr7-55205514-T-C. GRCh37 (hg19) VCF-style: chr7-55273207-T-C.
Other names: c.3395T>C, p.Phe1132Ser (NM_001346899.2); c.3371T>C, p.Phe1124Ser (NM_001346900.2); c.2729T>C, p.Phe910Ser (NM_001346941.2); short protein forms F1177S, F910S, F1124S, F1132S.
Identifiers: ClinVar variation 1384551 (VCV001384551.6), dbSNP rs556324078, ClinGen allele CA4266415.

ClinVar aggregate classification (germline): Uncertain significance (1 of 4 stars; one submission).

Conditions:
EGFR-related lung cancer (EGFR). Identifiers: MedGen CN130014.

Allele frequency attached by ClinVar (database versions not stated): gnomAD exomes below 0.00001; TOPMed below 0.00001; ExAC 0.00001; gnomAD 0.00001; 1000 Genomes Project 30x 0.00016; 1000 Genomes Project 0.00020.
gnomAD v4.1: 1 of 1,614,154 alleles (0.000062%); highest among the groups gnomAD compares: African/African-American, 0.0013%; no homozygotes.

Submission:

Labcorp Genetics (formerly Invitae), Labcorp
Classification: Uncertain significance for EGFR-related lung cancer. Last evaluated: 2023-02-21. Review status: criteria provided, single submitter. Criteria: Invitae Variant Classification Sherloc (09022015). Collection method: clinical testing. Allele origin: germline.
Comment: This sequence change replaces phenylalanine, which is neutral and non-polar, with serine, which is neutral and polar, at codon 1177 of the EGFR protein (p.Phe1177Ser). This variant is not present in population databases (gnomAD no frequency). In summary, the available evidence is currently insufficient to determine the role of this variant in disease. Therefore, it has been classified as a Variant of Uncertain Significance. Algorithms developed to predict the effect of missense changes on protein structure and function output the following: SIFT: "Not Available"; PolyPhen-2: "Benign"; Align-GVGD: "Not Available". The serine amino acid residue is found in multiple mammalian species, which suggests that this missense change does not adversely affect protein function. ClinVar contains an entry for this variant (Variation ID: 1384551). This variant has not been reported in the literature in individuals affected with EGFR-related conditions.